The following is an entry in ClinVar:

ClinVar aggregate classification (germline): Uncertain significance (1 of 4 stars; one submission).

Conditions:
Arrhythmogenic right ventricular dysplasia 13. Also called: Arrhythmogenic right ventricular dysplasia, familial, 13; ARRHYTHMOGENIC RIGHT VENTRICULAR CARDIOMYOPATHY 13. Identifiers: MedGen C3810138, MONDO:0000908, OMIM 615616.

Submission:

Labcorp Genetics (formerly Invitae), Labcorp
Classification: Uncertain significance for Arrhythmogenic right ventricular dysplasia 13. Last evaluated: 2024-03-19. Review status: criteria provided, single submitter. Criteria: Invitae Variant Classification Sherloc (09022015). Collection method: clinical testing. Allele origin: germline.
Comment: This sequence change replaces valine, which is neutral and non-polar, with methionine, which is neutral and non-polar, at codon 607 of the CTNNA3 protein (p.Val607Met). This variant is not present in population databases (gnomAD no frequency). This variant has not been reported in the literature in individuals affected with CTNNA3-related conditions. ClinVar contains an entry for this variant (Variation ID: 567790). Advanced modeling of protein sequence and biophysical properties (such as structural, functional, and spatial information, amino acid conservation, physicochemical variation, residue mobility, and thermodynamic stability) performed at Invitae indicates that this missense variant is not expected to disrupt CTNNA3 protein function with a negative predictive value of 80%. In summary, the available evidence is currently insufficient to determine the role of this variant in disease. Therefore, it has been classified as a Variant of Uncertain Significance.

NM_013266.4(CTNNA3):c.1819G>A (p.Val607Met)

Gene: CTNNA3 (catenin alpha 3; minus strand). Cytogenetic location: 10q21.3.
Variant type: single nucleotide variant.
Coding change: c.1819G>A on transcript NM_013266.4 (MANE Select); coding-DNA position 1819, G replaced by A.
Protein change: p.Val607Met; replaces valine 607 with methionine.
Molecular consequence: missense variant.
Genome position (GRCh38, 1-based): chr10:66,280,535, C>T on the plus strand (G>A on the coding strand, the complement: CTNNA3 is on the minus strand). VCF-style: chr10-66280535-C-T. GRCh37 (hg19) VCF-style: chr10-68040293-C-T.
Other names: c.1819G>A, p.Val607Met (NM_001127384.3); short protein forms V607M.
Identifiers: ClinVar variation 567790 (VCV000567790.8), dbSNP rs1564836430, ClinGen allele CA377090982.